The following is an entry in ClinVar:

ClinVar aggregate classification (germline): Pathogenic (1 of 4 stars; one submission).

Conditions:
Microcephaly, normal intelligence and immunodeficiency (NBS). Also called: IMMUNODEFICIENCY, MICROCEPHALY, AND CHROMOSOMAL INSTABILITY; BERLIN BREAKAGE SYNDROME; SEEMANOVA SYNDROME II; Nijmegen breakage syndrome; Microcephaly with normal intelligence immunodeficiency and lymphoreticular malignancies; Nonsyndromal microcephaly autosomal recessive with normal intelligence. Identifiers: Orphanet 647, MedGen C0398791, MONDO:0009623, OMIM 251260.

Submission:

Myriad Genetics, Inc.
Classification: Pathogenic for Microcephaly, normal intelligence and immunodeficiency. Last evaluated: 2024-11-29. Review status: criteria provided, single submitter. Criteria: Myriad Autosomal Dominant, Autosomal Recessive and X-Linked Classification Criteria (2023). Collection method: clinical testing. Allele origin: unknown.
Comment: NM_002485.4(NBN):c.1186delC(L396Ffs*8) is expected to be pathogenic in the context of Nijmegen breakage syndrome. This variant is predicted to lead to an abnormal or absent protein product due to the creation of a premature termination codon in NBN, a gene where loss-of-function variants are known to be pathogenic. Please note: this variant was assessed in the context of healthy population screening.

NM_002485.5(NBN):c.1186del (p.Leu396fs)

Gene: NBN (nibrin; minus strand). Cytogenetic location: 8q21.3.
Variant type: Deletion.
Coding change: c.1186del on transcript NM_002485.5 (MANE Select); coding-DNA position 1186, one base deleted (C; older notation c.1186delC).
Protein change: p.Leu396fs; shifts the reading frame from leucine 396.
Molecular consequence: frameshift variant.
Genome position (GRCh38, 1-based): chr8:89,955,494, G deleted on the plus strand (C on the coding strand, the reverse complement: NBN is on the minus strand). VCF-style (leftmost placement, unchanged base first): chr8-89955493-AG-A. GRCh37 (hg19) VCF-style: chr8-90967721-AG-A.
Other names: c.1186delC (NM_002485.4); c.940del, p.Leu314fs (NM_001024688.3); short protein forms L396fs, L314fs.
Identifiers: ClinVar variation 5014112 (VCV005014112.1), dbSNP rs1554559314.